The following is an entry in ClinVar:

ClinVar aggregate classification (germline): Pathogenic. Review status: reviewed by expert panel (3 of 4 stars). 2 submissions from 2 submitters: Pathogenic (1). 1 of the submissions does not count toward it. Last evaluated 2013-09-05.

Conditions:
Inherited MMR deficiency (Lynch syndrome).
Lynch syndrome. Identifiers: Orphanet 144, MedGen C4552100, MONDO:0005835. Disease mechanism: loss of function.

Submissions (2):

International Society for Gastrointestinal Hereditary Tumours (InSiGHT)
Classification: Pathogenic for Lynch Syndrome. Last evaluated: 2013-09-05. Review status: reviewed by expert panel. Criteria: Guidelines v1.9. Collection method: research. Allele origin: germline.
Comment: Coding sequence variation resulting in a stop codon

Classified with v1.9 guidelines

Genomics and Molecular Medicine Service, East Genomic Laboratory Hub, NHS Genomic Medicine Service
Classification: Pathogenic for Inherited MMR deficiency (Lynch syndrome). Last evaluated: 2026-04-28. Review status: criteria provided, single submitter. Criteria: ACGS Best Practice Guidelines for Variant Classification in Rare Disease 2020. Collection method: clinical testing. Allele origin: germline. Affected: yes. Not counted in ClinVar's aggregate classification.
Comment: PVS1,PM2_Supporting,PP4

NM_000179.3(MSH6):c.1580del (p.Leu527fs)

Gene: MSH6 (mutS homolog 6; plus strand). Cytogenetic location: 2p16.3.
Variant type: Deletion.
Coding change: c.1580del on transcript NM_000179.3 (MANE Select); coding-DNA position 1580, one base deleted (T; older notation c.1580delT).
Protein change: p.Leu527fs; shifts the reading frame from leucine 527.
Molecular consequence: frameshift variant.
Genome position (GRCh38, 1-based): chr2:47,799,563, T deleted. VCF-style (leftmost placement, unchanged base first): chr2-47799562-CT-C. GRCh37 (hg19) VCF-style: chr2-48026701-CT-C.
Other names: c.1190del, p.Leu397fs (NM_001281492.2); c.674del, p.Leu225fs (NM_001281493.2, NM_001281494.2); short protein forms L225fs, L397fs.
Identifiers: ClinVar variation 89203 (VCV000089203.3), dbSNP rs63751090, ClinGen allele CA008812.